The following is an entry in ClinVar:

ClinVar aggregate classification (germline): Conflicting classifications of pathogenicity. Review status: criteria provided, conflicting classifications (1 of 4 stars). 6 submissions from 6 submitters: Uncertain significance (1); Likely benign (5). Last evaluated 2026-01-26.

Conditions:
Spastic paraplegia. Identifiers: MedGen C0037772, HP:0001258.
Hereditary spastic paraplegia. Also called: Familial spastic paraparesis. Identifiers: Orphanet 685, MedGen C0037773, MONDO:0019064. Disease mechanism: loss of function.
Hereditary spastic paraplegia 10 (SPG10). Also called: SPASTIC PARAPLEGIA 10, AUTOSOMAL DOMINANT; SPASTIC PARAPLEGIA 10 WITH OR WITHOUT PERIPHERAL NEUROPATHY; SPASTIC PARAPLEGIA 10 WITH PERIPHERAL NEUROPATHY. Identifiers: Orphanet 100991, MedGen C1858712, MONDO:0011408, OMIM 604187.

Allele frequency attached by ClinVar (database versions not stated): gnomAD exomes 0.00014 and 0.00035; ESP Exome Variant Server 0.00015; TOPMed 0.00017; gnomAD 0.00019 and 0.00021; ExAC 0.00031.
gnomAD v4.1: 266 of 1,614,092 alleles (0.016%); highest among the groups gnomAD compares: East Asian, 0.078%; no homozygotes.

Submissions (6):

Labcorp Genetics (formerly Invitae), Labcorp
Classification: Likely benign for Spastic paraplegia. Last evaluated: 2026-01-26. Review status: criteria provided, single submitter. Criteria: Invitae Variant Classification Sherloc (09022015). Collection method: clinical testing. Allele origin: germline.

Mayo Clinic Laboratories, Mayo Clinic
Classification: Likely benign. Last evaluated: 2025-08-06. Review status: criteria provided, single submitter. Criteria: ACMG Guidelines, 2015. Collection method: clinical testing. Allele origin: germline. Observed: 1 variant allele.
Comment: BS1, BP4, BP7

Blueprint Genetics
Classification: Likely benign. Last evaluated: 2024-09-25. Review status: criteria provided, single submitter. Criteria: ACMG Guidelines, 2015. Collection method: clinical testing. Allele origin: germline.

GeneDx
Classification: Likely benign. Last evaluated: 2020-11-30. Review status: criteria provided, single submitter. Criteria: GeneDx Variant Classification Process June 2021. Collection method: clinical testing. Allele origin: germline. Affected: yes.

Illumina Laboratory Services, Illumina
Classification: Likely benign for Hereditary spastic paraplegia 10. Last evaluated: 2018-01-12. Review status: criteria provided, single submitter. Criteria: ICSL Variant Classification Criteria 13 December 2019. Collection method: clinical testing. Allele origin: germline.
Comment: This variant was observed in the ICSL laboratory as part of a predisposition screen in an ostensibly healthy population. It had not been previously curated by ICSL or reported in the Human Gene Mutation Database (HGMD: prior to June 1st, 2018), and was therefore a candidate for classification through an automated scoring system. Utilizing variant allele frequency, disease prevalence and penetrance estimates, and inheritance mode, an automated score was calculated to assess if this variant is too frequent to cause the disease. Based on the score and internal cut-off values, a variant classified as likely benign is not then subjected to further curation. The score for this variant resulted in a classification of likely benign for this disease.

Genome Diagnostics Laboratory, The Hospital for Sick Children
Classification: Uncertain significance for Hereditary spastic paraplegia. Last evaluated: 2016-12-12. Review status: criteria provided, single submitter. Criteria: ACMG Guidelines, 2015. Collection method: clinical testing. Allele origin: germline. Affected: yes.

Literature cited by the submitters: PubMed 29954873 (cited by Mayo Clinic Laboratories, Mayo Clinic).

NM_004984.4(KIF5A):c.2718C>T (p.Tyr906=)

Gene: KIF5A (kinesin family member 5A; plus strand). Cytogenetic location: 12q13.3.
Variant type: single nucleotide variant.
Coding change: c.2718C>T on transcript NM_004984.4 (MANE Select); coding-DNA position 2718, C replaced by T.
Protein change: p.Tyr906=; no amino-acid change (tyrosine 906 retained).
Molecular consequence: synonymous variant.
Genome position (GRCh38, 1-based): chr12:57,581,135, C>T. VCF-style: chr12-57581135-C-T. GRCh37 (hg19) VCF-style: chr12-57974918-C-T.
Other names: p.Tyr906=; c.2451C>T, p.Tyr817= (NM_001354705.2).
Identifiers: ClinVar variation 508971 (VCV000508971.21), dbSNP rs147057295, ClinGen allele CA6653182.
Genomic context (GRCh38, chr12:57,581,135, plus strand): 5'-CATGAAGGACAAGCGCCGGTACCAGCAGGAGGTGGACCGCATCAAGGAGGCCGTTCGCTA[C>T]AAGAGCTCGGGCAAACGGGGCCATTCTGCCCAGATTGGTGAGTAGGTGTTAGCAGGCAAG-3'
Protein context (NP_004975.2, residues 896-916): EVDRIKEAVR[Tyr906=]KSSGKRGHSA